The following is an entry in ClinVar:

ClinVar aggregate classification (germline): Uncertain significance (1 of 4 stars; one submission).

Conditions:
Fanconi anemia complementation group E (FANCE). Also called: FANCE-Related Fanconi Anemia. Identifiers: Orphanet 84, MedGen C3160739, MONDO:0010953, OMIM 600901.

gnomAD v4.1: 4 of 1,614,040 alleles (0.00025%); highest among the groups gnomAD compares: East Asian, 0.0022%; no homozygotes.

Submission:

Labcorp Genetics (formerly Invitae), Labcorp
Classification: Uncertain significance for Fanconi anemia complementation group E. Last evaluated: 2021-09-01. Review status: criteria provided, single submitter. Criteria: Invitae Variant Classification Sherloc (09022015). Collection method: clinical testing. Allele origin: germline.
Comment: This sequence change replaces glutamine with glutamic acid at codon 330 of the FANCE protein (p.Gln330Glu). The glutamine residue is moderately conserved and there is a small physicochemical difference between glutamine and glutamic acid. This variant is not present in population databases (ExAC no frequency). This variant has not been reported in the literature in individuals affected with FANCE-related conditions. Algorithms developed to predict the effect of missense changes on protein structure and function are either unavailable or do not agree on the potential impact of this missense change (SIFT: "Tolerated"; PolyPhen-2: "Possibly Damaging"; Align-GVGD: "Class C0"). In summary, the available evidence is currently insufficient to determine the role of this variant in disease. Therefore, it has been classified as a Variant of Uncertain Significance.

NM_021922.3(FANCE):c.988C>G (p.Gln330Glu)

Gene: FANCE (FA complementation group E; plus strand). Cytogenetic location: 6p21.31.
Variant type: single nucleotide variant.
Coding change: c.988C>G on transcript NM_021922.3 (MANE Select); coding-DNA position 988, C replaced by G.
Protein change: p.Gln330Glu; replaces glutamine 330 with glutamic acid.
Molecular consequence: missense variant.
Genome position (GRCh38, 1-based): chr6:35,458,315, C>G. VCF-style: chr6-35458315-C-G. GRCh37 (hg19) VCF-style: chr6-35426092-C-G.
Other names: short protein forms Q330E.
Identifiers: ClinVar variation 946576 (VCV000946576.7), dbSNP rs1263409404, ClinGen allele CA363775065.